The following is an entry in ClinVar:

NM_002449.5(MSX2):c.1A>G (p.Met1Val)

Gene: MSX2 (msh homeobox 2; plus strand). Cytogenetic location: 5q35.2.
Variant type: single nucleotide variant.
Coding change: c.1A>G on transcript NM_002449.5 (MANE Select); coding-DNA position 1, A replaced by G.
Protein change: p.Met1Val; changes the start codon (methionine 1).
Molecular consequence: missense variant, initiator codon variant.
Genome position (GRCh38, 1-based): chr5:174,724,660, A>G. VCF-style: chr5-174724660-A-G. GRCh37 (hg19) VCF-style: chr5-174151663-A-G.
Other names: c.1A>G, p.Met1Val (NM_001363626.2); short protein forms M1V.
Identifiers: ClinVar variation 2442667 (VCV002442667.4), dbSNP rs1349485235, ClinGen allele CA362228911.

ClinVar aggregate classification (germline): Likely pathogenic (1 of 4 stars; one submission).

Allele frequency attached by ClinVar (database versions not stated): TOPMed below 0.00001; gnomAD 0.00001.

Submission:

GeneDx
Classification: Likely pathogenic. Last evaluated: 2024-08-04. Review status: criteria provided, single submitter. Criteria: GeneDx Variant Classification Process June 2021. Collection method: clinical testing. Allele origin: germline. Affected: yes.
Comment: Initiation codon variant in a gene for which loss of function is a known mechanism of disease; Not observed at significant frequency in large population cohorts (gnomAD); Has not been previously published as pathogenic or benign to our knowledge